The following is an entry in ClinVar:

NM_001940.4(ATN1):c.576T>C (p.Thr192=)

Gene: ATN1 (atrophin 1; plus strand). Cytogenetic location: 12p13.31.
Variant type: single nucleotide variant.
Coding change: c.576T>C on transcript NM_001940.4 (MANE Select); coding-DNA position 576, T replaced by C.
Protein change: p.Thr192=; no amino-acid change (threonine 192 retained).
Molecular consequence: synonymous variant.
Genome position (GRCh38, 1-based): chr12:6,935,843, T>C. VCF-style: chr12-6935843-T-C. GRCh37 (hg19) VCF-style: chr12-7045006-T-C.
Other names: c.576T>C, p.Thr192= (NM_001007026.2, NM_001424176.1, NM_001424177.1 and 2 more transcripts); c.573T>C, p.Thr191= (NM_001424179.1, NM_001424180.1, NM_001424182.1).
Identifiers: ClinVar variation 3250713 (VCV003250713.18), dbSNP rs782798047.

ClinVar aggregate classification (germline): Likely benign (1 of 4 stars; one submission).

Allele frequency attached by ClinVar (database versions not stated): gnomAD exomes below 0.00001; ExAC 0.00001; gnomAD 0.00005; TOPMed 0.00005.
gnomAD v4.1: 12 of 1,613,724 alleles (0.00074%); highest among the groups gnomAD compares: African/African-American, 0.013%; no homozygotes.

Submission:

CeGaT Center for Human Genetics Tuebingen
Classification: Likely benign. Last evaluated: 2024-06-01. Review status: criteria provided, single submitter. Criteria: CeGaT Center For Human Genetics Tuebingen Variant Classification Criteria Version 2. Collection method: clinical testing. Allele origin: germline. Affected: yes. Observed: 1 variant allele.
Comment: ATN1: BP4, BP7